The following is an entry in ClinVar:

ClinVar aggregate classification (germline): Pathogenic. Review status: criteria provided, multiple submitters, no conflicts (2 of 4 stars). 2 submissions from 2 submitters: Pathogenic (2). Last evaluated 2022-12-02.

Conditions:
Hereditary cancer-predisposing syndrome. Also called: Hereditary Cancer Syndrome; Hereditary neoplastic syndrome; Neoplastic Syndromes, Hereditary; Tumor predisposition. Identifiers: Orphanet 140162, MedGen C0027672, MeSH D009386, MONDO:0015356.
Hereditary breast ovarian cancer syndrome. Also called: BRCA1- and BRCA2-Associated Hereditary Breast and Ovarian Cancer; Hereditary breast and ovarian cancer; Hereditary breast and ovarian cancer syndrome (HBOC); Hereditary breast and/or ovarian cancer syndrome; Hereditary breast and ovarian cancer syndrome; Breast and ovarian cancer. Identifiers: Orphanet 145, MedGen C0677776, MeSH D061325, MONDO:0003582. Disease mechanism: loss of function.

Submissions (2):

Ambry Genetics
Classification: Pathogenic for Hereditary cancer-predisposing syndrome. Last evaluated: 2022-12-02. Review status: criteria provided, single submitter. Criteria: Ambry Variant Classification Scheme 2023. Collection method: clinical testing. Allele origin: germline.
Comment: The p.E1537* pathogenic mutation (also known as c.4609G>T), located in coding exon 10 of the BRCA2 gene, results from a G to T substitution at nucleotide position 4609. This changes the amino acid from a glutamic acid to a stop codon within coding exon 10. This variant is considered to be rare based on population cohorts in the Genome Aggregation Database (gnomAD). This alteration is expected to result in loss of function by premature protein truncation or nonsense-mediated mRNA decay. As such, this alteration is interpreted as a disease-causing mutation.

Labcorp Genetics (formerly Invitae), Labcorp
Classification: Pathogenic for Hereditary breast ovarian cancer syndrome. Last evaluated: 2021-09-09. Review status: criteria provided, single submitter. Criteria: Invitae Variant Classification Sherloc (09022015). Collection method: clinical testing. Allele origin: germline.
Comment: For these reasons, this variant has been classified as Pathogenic. Algorithms developed to predict the effect of sequence changes on RNA splicing suggest that this variant may create or strengthen a splice site. This variant has not been reported in the literature in individuals affected with BRCA2-related conditions. This sequence change creates a premature translational stop signal (p.Glu1537*) in the BRCA2 gene. It is expected to result in an absent or disrupted protein product. Loss-of-function variants in BRCA2 are known to be pathogenic (PMID: 20104584). This variant is not present in population databases (ExAC no frequency).

Literature cited by the submitters: PubMed 20104584 (cited by Labcorp Genetics (formerly Invitae), Labcorp).

NM_000059.4(BRCA2):c.4609G>T (p.Glu1537Ter)

Gene: BRCA2 (BRCA2 DNA repair associated; plus strand). Cytogenetic location: 13q13.1.
Variant type: single nucleotide variant.
Coding change: c.4609G>T on transcript NM_000059.4 (MANE Select); coding-DNA position 4609, G replaced by T.
Protein change: p.Glu1537Ter; replaces glutamic acid 1537 with a stop codon.
Molecular consequence: nonsense.
Genome position (GRCh38, 1-based): chr13:32,338,964, G>T. VCF-style: chr13-32338964-G-T. GRCh37 (hg19) VCF-style: chr13-32913101-G-T.
Other names: c.4609G>T (NM_000059.3); short protein forms E1537*.
Identifiers: ClinVar variation 1451343 (VCV001451343.7), dbSNP rs753244927, ClinGen allele CA387782004.